The following is an entry in ClinVar:

NM_000018.4(ACADVL):c.1246G>A (p.Ala416Thr)

Gene: ACADVL (acyl-CoA dehydrogenase very long chain; plus strand). Cytogenetic location: 17p13.1.
Variant type: single nucleotide variant.
Coding change: c.1246G>A on transcript NM_000018.4 (MANE Select); coding-DNA position 1246, G replaced by A.
Protein change: p.Ala416Thr; replaces alanine 416 with threonine.
Molecular consequence: missense variant.
Genome position (GRCh38, 1-based): chr17:7,223,707, G>A. VCF-style: chr17-7223707-G-A. GRCh37 (hg19) VCF-style: chr17-7127026-G-A.
Other names: NM_000018.4(ACADVL):c.1246G>A; p.Ala416Thr; c.1180G>A, p.Ala394Thr (NM_001033859.3); c.1315G>A, p.Ala439Thr (NM_001270447.2); c.1018G>A, p.Ala340Thr (NM_001270448.2); short protein forms A416T, A340T, A394T, A439T.
Identifiers: ClinVar variation 1633 (VCV000001633.24), dbSNP rs118204018, ClinGen allele CA251908.

ClinVar aggregate classification (germline): Likely pathogenic. Review status: reviewed by expert panel (3 of 4 stars). 10 submissions from 10 submitters: Likely pathogenic (1). 9 of the submissions do not count toward it. Last evaluated 2022-08-09.

Conditions:
Very long chain acyl-CoA dehydrogenase deficiency (ACADVLD). Also called: Very Long-Chain Acyl-Coenzyme A Dehydrogenase Deficiency; VLCAD Deficiency. Identifiers: Orphanet 26793, MedGen C3887523, MONDO:0008723, OMIM 201475.

gnomAD v4.1: 25 of 1,613,970 alleles (0.0015%); highest among the groups gnomAD compares: East Asian, 0.045%; no homozygotes.

Submissions (10):

ClinGen ACADVL Variant Curation Expert Panel, ClinGen
Classification: Likely pathogenic for Very long chain acyl-CoA dehydrogenase deficiency. Last evaluated: 2022-08-09. Review status: reviewed by expert panel. Criteria: clingen acadvl acmg specifications v1. Collection method: curation. Allele origin: germline.
Comment: The c.1246G>A (p.Ala416Thr) variant in ACADVL is a missense variant predicted to cause substitution of alanine by threonine at amino acid 416. This variant has been reported in several individuals affected with very long chain acyl-CoA dehydrogenase (VLCAD) deficiency, with at least one individual showing VLCAD enzyme activity <20% of normal, which is highly specific for VLCAD deficiency (PP4_Moderate; PMID: 15210884, 20060901, 11914034, 30194637). Additionally, this variant has been reported confirmed in trans to a likely pathogenic variant and presumed in trans to several distinct variants, at least one of which is pathogenic (PM3; PMIDs: 15210884, 20060901, 11914034, 30194637). The highest population minor allele frequency in gnomAD v2.1.1 is 0.00001591 in the total population, which is lower than the ClinGen ACADVL Variant Curation Expert Panel threshold (<0.001) for PM2_Supporting, meeting this criterion (PM2_Supporting). Functional assays of fibroblasts transfected with this variant showed reduced ACADVL enzyme function indicating that this variant impacts protein function (PS3_Supporting; PMIDs: 11158518, 11914034). The computational predictor REVEL gives a score of 0.936, which is above the threshold of 0.75, evidence that correlates with impact to ACADVL function (PP3). In summary, this variant meets the criteria to be classified as likely pathogenic for autosomal recessive VLCAD deficiency based on the ACMG/AMP criteria applied, as specified by the ClinGen ACADVL Variant Curation Expert Panel:PP4_Moderate, PM3, PM2_Supporting, PS3_Supporting, PP3 (ACADVL VCEP specifications version 1; approved November 8, 2021).

Labcorp Genetics (formerly Invitae), Labcorp
Classification: Pathogenic for Very long chain acyl-CoA dehydrogenase deficiency. Last evaluated: 2025-08-24. Review status: criteria provided, single submitter. Criteria: Invitae Variant Classification Sherloc (09022015). Collection method: clinical testing. Allele origin: germline. Not counted in ClinVar's aggregate classification.
Comment: This sequence change replaces alanine, which is neutral and non-polar, with threonine, which is neutral and polar, at codon 416 of the ACADVL protein (p.Ala416Thr). This variant is present in population databases (rs118204018, gnomAD 0.006%). This missense change has been observed in individual(s) with myopathic form of very-long chain acyl-CoA dehydrogenase deficiency (PMID: 11158518, 11914034, 15210884). In at least one individual the data is consistent with being in trans (on the opposite chromosome) from a pathogenic variant. ClinVar contains an entry for this variant (Variation ID: 1633). Invitae Evidence Modeling of protein sequence and biophysical properties (such as structural, functional, and spatial information, amino acid conservation, physicochemical variation, residue mobility, and thermodynamic stability) indicates that this missense variant is expected to disrupt ACADVL protein function with a positive predictive value of 80%. Experimental studies have shown that this missense change affects ACADVL function (PMID: 11158518). For these reasons, this variant has been classified as Pathogenic.

Natera, Inc.
Classification: Pathogenic for Very long chain acyl-CoA dehydrogenase deficiency. Last evaluated: 2025-08-20. Review status: criteria provided, single submitter. Criteria: Natera Variant Classification Schema (03/2026). Collection method: clinical testing. Allele origin: germline. Not counted in ClinVar's aggregate classification.
Comment: The c.1246G>A variant in ACADVL is a missense variant predicted to cause substitution of alanine to threonine at amino acid 416. This variant is rare in the general population with a frequency below the threshold expected for the associated phenotype(s). This variant has been observed in one or more individuals affected with the associated recessive disease, as either homozygous or compound heterozygous with a second variant (PMID: 11158518, 30194637, 32669490, 38390979). Computational prediction algorithms indicate this variant is likely to affect gene or protein function. Given the available evidence, this variant is classified as Pathogenic.

Fulgent Genetics
Classification: Pathogenic for Very long chain acyl-CoA dehydrogenase deficiency. Last evaluated: 2024-05-15. Review status: criteria provided, single submitter. Criteria: ACMG Guidelines, 2015. Collection method: clinical testing. Allele origin: germline. Not counted in ClinVar's aggregate classification.

Baylor Genetics
Classification: Likely pathogenic for Very long chain acyl-CoA dehydrogenase deficiency. Last evaluated: 2023-10-05. Review status: criteria provided, single submitter. Criteria: ACMG Guidelines, 2015. Collection method: clinical testing. Allele origin: unknown. Not counted in ClinVar's aggregate classification.

Myriad Genetics, Inc.
Classification: Likely pathogenic for Very long chain acyl-CoA dehydrogenase deficiency. Last evaluated: 2021-11-18. Review status: criteria provided, single submitter. Criteria: Myriad Women's Health Autosomal Recessive and X-Linked Classification Criteria (2021). Collection method: clinical testing. Allele origin: unknown. Not counted in ClinVar's aggregate classification.
Comment: NM_000018.3(ACADVL):c.1246G>A(A416T) is a missense variant classified as likely pathogenic in the context of very long chain acyl-CoA dehydrogenase deficiency. A416T has been observed in cases with relevant disease (PMID: 15210884, 11158518, 11914034, Mitsui_2014_(no PMID; article), 30194637). Functional assessments of this variant are available in the literature (PMID: 11158518, 20060901, 21378393). A416T has been observed in population frequency databases (gnomAD: EAS 0.01%). In summary, NM_000018.3(ACADVL):c.1246G>A(A416T) is a missense variant that has been observed more frequently in cases with the relevant disease than in healthy populations. Please note: this variant was assessed in the context of healthy population screening.

Illumina Laboratory Services, Illumina
Classification: Likely pathogenic for Very long chain acyl-CoA dehydrogenase deficiency. Last evaluated: 2018-11-22. Review status: criteria provided, single submitter. Criteria: ICSL Variant Classification Criteria 09 May 2019. Collection method: clinical testing. Allele origin: germline. Not counted in ClinVar's aggregate classification.
Comment: The ACADVL c.1246G>A (p.Ala416Thr) variant has been reported in at least four patients in a compound heterozygous state, two of whom had mild manifestation of VLCAD deficiency (Fukao et al. 2001; Takusa et al. 2002; Brown et al. 2014; Hesse et al. 2018). The p.Ala416Thr variant was absent from 100 controls and is reported at a frequency of 0.000027 in the European (non-Finnish) population of the Genome Aggregation Database. Functional studies used transient expression of the p.Ala416Thr variant and showed residual acyl-CoA dehydrogenase activity of 10-20% of wild type (Fukao et al. 2001). Based on the evidence, the ACADVL p.Ala416Thr variant is classified as likely pathogenic for VLCAD deficiency. This variant was observed by ICSL as part of a predisposition screen in an ostensibly healthy population.

Juno Genomics, Hangzhou Juno Genomics, Inc
Classification: Likely pathogenic for Very long chain acyl-CoA dehydrogenase deficiency. Review status: criteria provided, single submitter. Criteria: ACMG Guidelines, 2015. Collection method: clinical testing. Allele origin: germline. Not counted in ClinVar's aggregate classification.
Comment: Absent from controls (or at extremely low frequency if recessive) in Genome Aggregation Database.;For recessive disorders, detected in trans with a pathogenic variant.;Patient's phenotype or family history is highly specific for a disease with a single genetic etiology.;Well-established in vitro or in vivo functional studies supportive of a damaging effect on the gene or gene product.

Biochemical Molecular Genetic Laboratory, King Abdulaziz Medical City
Classification: Likely pathogenic for Very long chain acyl-CoA dehydrogenase deficiency. Last evaluated: 2020-11-12. Review status: no assertion criteria provided. Collection method: clinical testing. Allele origin: germline. Affected: yes. Not counted in ClinVar's aggregate classification.

OMIM
Classification: Pathogenic for VLCAD DEFICIENCY. Last evaluated: 2001-02-01. Review status: no assertion criteria provided. Collection method: literature only. Allele origin: germline. Not counted in ClinVar's aggregate classification.

Literature cited by the submitters: PubMed 11158518 (cited by 5 submitters); PubMed 11914034 (cited by 3 submitters); PubMed 15210884 (cited by Labcorp Genetics (formerly Invitae), Labcorp and Myriad Genetics, Inc.); PubMed 30194637 (cited by Natera, Inc. and Myriad Genetics, Inc.); PubMed 32669490 (cited by Natera, Inc.); PubMed 38390979 (cited by Natera, Inc.); PubMed 21378393 (cited by Myriad Genetics, Inc.); PubMed 20060901 (cited by Myriad Genetics, Inc.).